The following is an entry in ClinVar:

ClinVar aggregate classification (germline): Uncertain significance (1 of 4 stars; one submission).

Submission:

CeGaT Center for Human Genetics Tuebingen
Classification: Uncertain significance. Last evaluated: 2025-12-01. Review status: criteria provided, single submitter. Criteria: CeGaT Center For Human Genetics Tuebingen Variant Classification Criteria Version 2. Collection method: clinical testing. Allele origin: germline. Affected: yes. Observed: 1 variant allele.
Comment: ADGRL1: PM2, BP4

NM_014921.5(ADGRL1):c.2254G>C (p.Gly752Arg)

Genes: ADGRL1 (adhesion G protein-coupled receptor L1; minus strand), ADGRL1-AS1 (ADGRL1 antisense RNA 1; plus strand). Cytogenetic location: 19p13.12.
Variant type: single nucleotide variant.
Coding change: c.2254G>C on transcript NM_014921.5 (MANE Select); coding-DNA position 2254, G replaced by C.
Protein change: p.Gly752Arg; replaces glycine 752 with arginine.
Molecular consequence: missense variant.
Genome position (GRCh38, 1-based): chr19:14,158,448, C>G on the plus strand (G>C on the coding strand, the complement: ADGRL1 is on the minus strand). VCF-style: chr19-14158448-C-G. GRCh37 (hg19) VCF-style: chr19-14269260-C-G.
Other names: c.2269G>C, p.Gly757Arg (NM_001008701.3); short protein forms G752R, G757R.
Identifiers: ClinVar variation 4681867 (VCV004681867.5).
Genomic context (GRCh38, chr19:14,158,448, plus strand): 5'-TGGACTCCTTGTTGATGGATGCTGCGATGACCTGTGAGTTCACCACTAGAGAGGCGCCCC[C>G]AGGGCCACCCGGGCCTGCTTCGCCGGCCAGCTTCACTGTGGCATTCTCCGTGGACAGGAA-3'
Protein context (NP_055736.2, residues 742-762): LAGEAGPGGP[Gly752Arg]GASLVVNSQV